The following is an entry in ClinVar:

ClinVar aggregate classification (germline): Conflicting classifications of pathogenicity. Review status: criteria provided, conflicting classifications (1 of 4 stars). 2 submissions from 2 submitters: Uncertain significance (1); Likely benign (1). Last evaluated 2026-03-25.

Conditions:
ADGRV1-related disorder. Also called: ADGRV1-related condition; ADGRV1-related disorders.

Allele frequency attached by ClinVar (database versions not stated): gnomAD exomes 0.00001; gnomAD 0.00002; ExAC 0.00008; 1000 Genomes Project 30x 0.00016; 1000 Genomes Project 0.00020.
gnomAD v4.1: 18 of 1,600,770 alleles (0.0011%); highest among the groups gnomAD compares: South Asian, 0.019%; no homozygotes.

Submissions (2):

PreventionGenetics, part of Exact Sciences
Classification: Uncertain significance for ADGRV1-related condition. Last evaluated: 2026-03-25. Review status: criteria provided, single submitter. Criteria: ACMG Guidelines, 2015. Collection method: clinical testing. Allele origin: germline.
Comment: The ADGRV1 c.2981C>T variant is predicted to result in the amino acid substitution p.Thr994Ile. This variant was reported in a cohort of individuals with uveitis (supplementary data, Li et al. 2020. PubMed ID: 32707200). This variant is reported in 0.017% of alleles in individuals of South Asian descent in gnomAD. At this time, the clinical significance of this variant is uncertain due to the absence of conclusive functional and genetic evidence.

Labcorp Genetics (formerly Invitae), Labcorp
Classification: Likely benign. Last evaluated: 2025-04-17. Review status: criteria provided, single submitter. Criteria: Invitae Variant Classification Sherloc (09022015). Collection method: clinical testing. Allele origin: germline.

NM_032119.4(ADGRV1):c.2981C>T (p.Thr994Ile)

Gene: ADGRV1 (adhesion G protein-coupled receptor V1; plus strand). Cytogenetic location: 5q14.3.
Variant type: single nucleotide variant.
Coding change: c.2981C>T on transcript NM_032119.4 (MANE Select); coding-DNA position 2981, C replaced by T.
Protein change: p.Thr994Ile; replaces threonine 994 with isoleucine.
Molecular consequence: missense variant. On other transcripts: non-coding transcript variant (1).
Genome position (GRCh38, 1-based): chr5:90,646,050, C>T. VCF-style: chr5-90646050-C-T. GRCh37 (hg19) VCF-style: chr5-89941867-C-T.
Other names: c.2981C>T (NM_032119.3); short protein forms T994I.
Identifiers: ClinVar variation 1929369 (VCV001929369.6), dbSNP rs550594173, ClinGen allele CA3339078.